The following is an entry in ClinVar:

NM_001038.6(SCNN1A):c.1652T>C (p.Leu551Pro)

Gene: SCNN1A (sodium channel epithelial 1 subunit alpha; minus strand). Cytogenetic location: 12p13.31.
Variant type: single nucleotide variant.
Coding change: c.1652T>C on transcript NM_001038.6 (MANE Select); coding-DNA position 1652, T replaced by C.
Protein change: p.Leu551Pro; replaces leucine 551 with proline.
Molecular consequence: missense variant.
Genome position (GRCh38, 1-based): chr12:6,348,231, A>G on the plus strand (T>C on the coding strand, the complement: SCNN1A is on the minus strand). VCF-style: chr12-6348231-A-G. GRCh37 (hg19) VCF-style: chr12-6457397-A-G.
Other names: c.1721T>C, p.Leu574Pro (NM_001159575.2); c.1829T>C, p.Leu610Pro (NM_001159576.2); short protein forms L551P, L574P, L610P.
Identifiers: ClinVar variation 4997229 (VCV004997229.1).

ClinVar aggregate classification (germline): Uncertain significance (1 of 4 stars; one submission).

Conditions:
SCNN1A-related disorder. Also called: SCNN1A-related disorders; SCNN1A-related condition.

Submission:

PreventionGenetics, part of Exact Sciences
Classification: Uncertain significance for SCNN1A-related condition. Last evaluated: 2025-07-11. Review status: criteria provided, single submitter. Criteria: ACMG Guidelines, 2015. Collection method: clinical testing. Allele origin: germline.
Comment: The SCNN1A c.1652T>C variant is predicted to result in the amino acid substitution p.Leu551Pro. To our knowledge, this variant has not been reported in the literature or in a large population database (gnomAD), indicating this variant is rare. At this time, the clinical significance of this variant is uncertain due to the absence of conclusive functional and genetic evidence.